The following is an entry in ClinVar:

NM_201384.3(PLEC):c.3628C>T (p.Arg1210Cys)

Gene: PLEC (plectin; minus strand). Cytogenetic location: 8q24.3.
Variant type: single nucleotide variant.
Coding change: c.3628C>T on transcript NM_201384.3 (MANE Select); coding-DNA position 3628, C replaced by T.
Protein change: p.Arg1210Cys; replaces arginine 1210 with cysteine.
Molecular consequence: missense variant.
Genome position (GRCh38, 1-based): chr8:143,927,538, G>A on the plus strand (C>T on the coding strand, the complement: PLEC is on the minus strand). VCF-style: chr8-143927538-G-A. GRCh37 (hg19) VCF-style: chr8-145001706-G-A.
Other names: c.3709C>T, p.Arg1237Cys (NM_000445.5); c.3586C>T, p.Arg1196Cys (NM_201378.4); c.3562C>T, p.Arg1188Cys (NM_201379.3); c.4039C>T, p.Arg1347Cys (NM_201380.4); c.3532C>T, p.Arg1178Cys (NM_201381.3); c.3628C>T, p.Arg1210Cys (NM_201382.4); c.3640C>T, p.Arg1214Cys (NM_201383.3); short protein forms R1178C, R1188C, R1196C, R1210C, R1214C, R1237C, R1347C.
Identifiers: ClinVar variation 1194102 (VCV001194102.9), dbSNP rs782365536, ClinGen allele CA4927000.

ClinVar aggregate classification (germline): Uncertain significance. Review status: criteria provided, multiple submitters, no conflicts (2 of 4 stars). 3 submissions from 3 submitters: Uncertain significance (3). Last evaluated 2026-01-01.

Conditions:
Epidermolysis bullosa simplex 5B, with muscular dystrophy (EBS5B). Also called: EPIDERMOLYSIS BULLOSA SIMPLEX AND LIMB-GIRDLE MUSCULAR DYSTROPHY; Epidermolysis bullosa simplex with muscular dystrophy. Identifiers: Orphanet 257, MedGen C2931072, MONDO:0009181, OMIM 226670.
Epidermolysis bullosa simplex 5C, with pyloric atresia (EBS5C). Also called: PLEC-Related Epidermolysis Bullosa with Pyloric Atresia; Epidermolysis bullosa simplex with pyloric atresia; PLEC1-Related Epidermolysis Bullosa with Pyloric Atresia. Identifiers: Orphanet 158684, MedGen C2677349, MONDO:0012807, OMIM 612138.
Autosomal recessive limb-girdle muscular dystrophy type 2Q (LGMDR17). Also called: MUSCULAR DYSTROPHY, LIMB-GIRDLE, AUTOSOMAL RECESSIVE 17. Identifiers: Orphanet 254361, MedGen C3150989, MONDO:0013390, OMIM 613723.
Epidermolysis bullosa simplex with nail dystrophy (EBS5D). Identifiers: MedGen C4225309, MONDO:0014661, OMIM 616487.
Epidermolysis bullosa simplex, Ogna type (EBS5A). Also called: Pidermolysis bullosa simplex 5A, Ogna type; EPIDERMOLYSIS BULLOSA SIMPLEX 5A, OGNA TYPE. Identifiers: Orphanet 79401, MedGen C0432317, MONDO:0007555, OMIM 131950.

Allele frequency attached by ClinVar (database versions not stated): gnomAD 0.00001 and 0.00002; ExAC 0.00002; gnomAD exomes 0.00002.
gnomAD v4.1: 34 of 1,596,572 alleles (0.0021%); highest among the groups gnomAD compares: South Asian, 0.0033%; no homozygotes.

Submissions (3):

CeGaT Center for Human Genetics Tuebingen
Classification: Uncertain significance. Last evaluated: 2026-01-01. Review status: criteria provided, single submitter. Criteria: CeGaT Center For Human Genetics Tuebingen Variant Classification Criteria Version 2. Collection method: clinical testing. Allele origin: germline. Affected: yes. Observed: 1 variant allele.
Comment: PLEC: PM2

Labcorp Genetics (formerly Invitae), Labcorp
Classification: Uncertain significance for Autosomal recessive limb-girdle muscular dystrophy type 2Q; Epidermolysis bullosa simplex, Ogna type; Epidermolysis bullosa simplex with nail dystrophy; Epidermolysis bullosa simplex 5C, with pyloric atresia; Epidermolysis bullosa simplex 5B, with muscular dystrophy. Last evaluated: 2025-01-13. Review status: criteria provided, single submitter. Criteria: Invitae Variant Classification Sherloc (09022015). Collection method: clinical testing. Allele origin: germline.
Comment: This sequence change replaces arginine, which is basic and polar, with cysteine, which is neutral and slightly polar, at codon 1237 of the PLEC protein (p.Arg1237Cys). The frequency data for this variant in the population databases is considered unreliable, as metrics indicate poor data quality at this position in the gnomAD database. This variant has not been reported in the literature in individuals affected with PLEC-related conditions. ClinVar contains an entry for this variant (Variation ID: 1194102). Invitae Evidence Modeling of protein sequence and biophysical properties (such as structural, functional, and spatial information, amino acid conservation, physicochemical variation, residue mobility, and thermodynamic stability) indicates that this missense variant is not expected to disrupt PLEC protein function with a negative predictive value of 80%. In summary, the available evidence is currently insufficient to determine the role of this variant in disease. Therefore, it has been classified as a Variant of Uncertain Significance.

GeneDx
Classification: Uncertain significance. Last evaluated: 2019-08-05. Review status: criteria provided, single submitter. Criteria: GeneDx Variant Classification Process June 2021. Collection method: clinical testing. Allele origin: germline. Affected: yes.
Comment: Not observed at a significant frequency in large population cohorts (Lek et al., 2016); In silico analysis, which includes protein predictors and evolutionary conservation, supports a deleterious effect; Missense variant in a gene in which most reported pathogenic variants are truncating/loss-of-function; Has not been previously published as pathogenic or benign to our knowledge